The following is an entry in ClinVar:

ClinVar aggregate classification (germline): Pathogenic (1 of 4 stars; one submission).

Conditions:
Familial adenomatous polyposis 1 (FAP1). Also called: POLYPOSIS, ADENOMATOUS INTESTINAL; FAMILIAL ADENOMATOUS POLYPOSIS 1, ATTENUATED. Identifiers: MedGen C2713442, MONDO:0021056, OMIM 175100. Disease mechanism: loss of function.

Submission:

Myriad Genetics, Inc.
Classification: Pathogenic for Familial adenomatous polyposis 1. Last evaluated: 2023-05-10. Review status: criteria provided, single submitter. Criteria: Myriad Autosomal Dominant, Autosomal Recessive and X-Linked Classification Criteria (2023). Collection method: clinical testing. Allele origin: unknown.
Comment: This variant is considered pathogenic. This variant creates a frameshift predicted to result in premature protein truncation.

NM_000038.6(APC):c.4021del (p.Ser1341fs)

Gene: APC (APC regulator of Wnt signaling pathway; plus strand). Cytogenetic location: 5q22.2.
Variant type: Deletion.
Coding change: c.4021del on transcript NM_000038.6 (MANE Select); coding-DNA position 4021, one base deleted (A; older notation c.4021delA).
Protein change: p.Ser1341fs; shifts the reading frame from serine 1341.
Molecular consequence: frameshift variant. On other transcripts: non-coding transcript variant (2).
Genome position (GRCh38, 1-based): chr5:112,839,615, A deleted. VCF-style (leftmost placement, unchanged base first): chr5-112839614-TA-T. GRCh37 (hg19) VCF-style: chr5-112175311-TA-T.
Other names: c.4021del, p.Ser1341fs (NM_001127510.3, NM_001354895.2, NM_001407450.1); c.3967del, p.Ser1323fs (NM_001127511.3); c.4075del, p.Ser1359fs (NM_001354896.2, NM_001407447.1, NM_001407448.1 and 1 more transcripts); c.4051del, p.Ser1351fs (NM_001354897.2); c.3946del, p.Ser1316fs (NM_001354898.2); c.3937del, p.Ser1313fs (NM_001354899.2); c.3898del, p.Ser1300fs (NM_001354900.2); c.3844del, p.Ser1282fs (NM_001354901.2, NM_001407453.1); and 11 more; short protein forms S1058fs, S1181fs, S1212fs, S1215fs, S1240fs, S1250fs, S1258fs, S1282fs.
Identifiers: ClinVar variation 2583511 (VCV002583511.2), dbSNP rs2533542455, ClinGen allele CA2582341547.